The following is an entry in ClinVar:

ClinVar aggregate classification (germline): Likely benign. Review status: criteria provided, multiple submitters, no conflicts (2 of 4 stars). 2 submissions from 2 submitters: Likely benign (2). Last evaluated 2024-08-01.

Conditions:
Imerslund-Grasbeck syndrome. Also called: PERNICIOUS ANEMIA, JUVENILE, DUE TO SELECTIVE INTESTINAL MALABSORPTION OF VITAMIN B12, WITH PROTEINURIA; Megaloblastic anemia due to inborn errors of metabolism; ENTEROCYTE COBALAMIN MALABSORPTION; ENTEROCYTE INTRINSIC FACTOR RECEPTOR, DEFECT OF; Imerslund-Gräsbeck syndrome. Identifiers: Orphanet 35858, MedGen C4551825, MONDO:0009853.

gnomAD v4.1: 110 of 1,613,534 alleles (0.0068%); highest among the groups gnomAD compares: Non-Finnish European, 0.0086%; no homozygotes.

Submissions (2):

CeGaT Center for Human Genetics Tuebingen
Classification: Likely benign. Last evaluated: 2024-08-01. Review status: criteria provided, single submitter. Criteria: CeGaT Center For Human Genetics Tuebingen Variant Classification Criteria Version 2. Collection method: clinical testing. Allele origin: germline. Affected: yes. Observed: 1 variant allele.
Comment: CUBN: BP4, BP7

Labcorp Genetics (formerly Invitae), Labcorp
Classification: Likely benign for Imerslund-Grasbeck syndrome. Last evaluated: 2024-07-02. Review status: criteria provided, single submitter. Criteria: Invitae Variant Classification Sherloc (09022015). Collection method: clinical testing. Allele origin: germline.

NM_001081.4(CUBN):c.783G>T (p.Thr261=)

Gene: CUBN (cubilin; minus strand). Cytogenetic location: 10p13.
Variant type: single nucleotide variant.
Coding change: c.783G>T on transcript NM_001081.4 (MANE Select); coding-DNA position 783, G replaced by T.
Protein change: p.Thr261=; no amino-acid change (threonine 261 retained).
Molecular consequence: synonymous variant.
Genome position (GRCh38, 1-based): chr10:17,114,127, C>A on the plus strand (G>T on the coding strand, the complement: CUBN is on the minus strand). VCF-style: chr10-17114127-C-A. GRCh37 (hg19) VCF-style: chr10-17156126-C-A.
Identifiers: ClinVar variation 1981175 (VCV001981175.20), dbSNP rs770878354, ClinGen allele CA5425505.